The following is an entry in ClinVar:

ClinVar aggregate classification (germline): Uncertain significance (1 of 4 stars; one submission).

Conditions:
Vici syndrome (VICIS). Identifiers: Orphanet 1493, MedGen C1855772, MONDO:0009452, OMIM 242840.

Allele frequency attached by ClinVar (database versions not stated): ExAC 0.00001; gnomAD 0.00001; gnomAD exomes 0.00001 and 0.00003; TOPMed 0.00001; ESP Exome Variant Server 0.00008.
gnomAD v4.1: 44 of 1,613,984 alleles (0.0027%); highest among the groups gnomAD compares: Non-Finnish European, 0.0033%; no homozygotes.

Submission:

Labcorp Genetics (formerly Invitae), Labcorp
Classification: Uncertain significance for Vici syndrome. Last evaluated: 2022-02-05. Review status: criteria provided, single submitter. Criteria: Invitae Variant Classification Sherloc (09022015). Collection method: clinical testing. Allele origin: germline.
Comment: This sequence change replaces arginine, which is basic and polar, with cysteine, which is neutral and slightly polar, at codon 1371 of the EPG5 protein (p.Arg1371Cys). This variant is present in population databases (rs368438786, gnomAD 0.006%). This variant has not been reported in the literature in individuals affected with EPG5-related conditions. Algorithms developed to predict the effect of missense changes on protein structure and function are either unavailable or do not agree on the potential impact of this missense change (SIFT: "Deleterious"; PolyPhen-2: "Probably Damaging"; Align-GVGD: "Class C0"). In summary, the available evidence is currently insufficient to determine the role of this variant in disease. Therefore, it has been classified as a Variant of Uncertain Significance.

NM_020964.3(EPG5):c.4111C>T (p.Arg1371Cys)

Gene: EPG5 (ectopic P-granules 5 autophagy tethering factor; minus strand). Cytogenetic location: 18q21.1.
Variant type: single nucleotide variant.
Coding change: c.4111C>T on transcript NM_020964.3 (MANE Select); coding-DNA position 4111, C replaced by T.
Protein change: p.Arg1371Cys; replaces arginine 1371 with cysteine.
Molecular consequence: missense variant.
Genome position (GRCh38, 1-based): chr18:45,910,615, G>A on the plus strand (C>T on the coding strand, the complement: EPG5 is on the minus strand). VCF-style: chr18-45910615-G-A. GRCh37 (hg19) VCF-style: chr18-43490580-G-A.
Other names: short protein forms R1371C.
Identifiers: ClinVar variation 1418511 (VCV001418511.6), dbSNP rs368438786, ClinGen allele CA8948981.